The following is an entry in ClinVar:

NM_001349253.2(SCN11A):c.1343T>G (p.Leu448Arg)

Gene: SCN11A (sodium voltage-gated channel alpha subunit 11; minus strand). Cytogenetic location: 3p22.2.
Variant type: single nucleotide variant.
Coding change: c.1343T>G on transcript NM_001349253.2 (MANE Select); coding-DNA position 1343, T replaced by G.
Protein change: p.Leu448Arg; replaces leucine 448 with arginine.
Molecular consequence: missense variant.
Genome position (GRCh38, 1-based): chr3:38,908,079, A>C on the plus strand (T>G on the coding strand, the complement: SCN11A is on the minus strand). VCF-style: chr3-38908079-A-C. GRCh37 (hg19) VCF-style: chr3-38949570-A-C.
Other names: c.1343T>G, p.Leu448Arg (NM_014139.3); short protein forms L448R.
Identifiers: ClinVar variation 2952818 (VCV002952818.3), dbSNP rs2470595415, ClinGen allele CA352166962.

ClinVar aggregate classification (germline): Uncertain significance (1 of 4 stars; one submission).

Conditions:
Familial episodic pain syndrome with predominantly lower limb involvement. Also called: Episodic pain syndrome, familial, 3. Identifiers: Orphanet 391384, Orphanet 391392, MedGen C3809899, MONDO:0014247, OMIM 615552.
Hereditary sensory and autonomic neuropathy type 7. Also called: HSAN VII; Neuropathy, hereditary sensory and autonomic, type VII. Identifiers: Orphanet 391397, MedGen C3809882, MONDO:0014244, OMIM 615548.

Submission:

Labcorp Genetics (formerly Invitae), Labcorp
Classification: Uncertain significance for Familial episodic pain syndrome with predominantly lower limb involvement; Hereditary sensory and autonomic neuropathy type 7. Last evaluated: 2023-11-08. Review status: criteria provided, single submitter. Criteria: Invitae Variant Classification Sherloc (09022015). Collection method: clinical testing. Allele origin: germline.
Comment: This sequence change replaces leucine, which is neutral and non-polar, with arginine, which is basic and polar, at codon 448 of the SCN11A protein (p.Leu448Arg). This variant is not present in population databases (gnomAD no frequency). This variant has not been reported in the literature in individuals affected with SCN11A-related conditions. An algorithm developed to predict the effect of missense changes on protein structure and function (PolyPhen-2) suggests that this variant is likely to be disruptive. In summary, the available evidence is currently insufficient to determine the role of this variant in disease. Therefore, it has been classified as a Variant of Uncertain Significance.